The following is an entry in ClinVar:

ClinVar aggregate classification (germline): Uncertain significance (1 of 4 stars; one submission).

Conditions:
Pitt-Hopkins-like syndrome 2 (PTHSL2). Identifiers: Orphanet 221150, Orphanet 600663, MedGen C3280479, MONDO:0013690, OMIM 614325.

Submission:

Labcorp Genetics (formerly Invitae), Labcorp
Classification: Uncertain significance for Pitt-Hopkins-like syndrome 2. Last evaluated: 2023-08-16. Review status: criteria provided, single submitter. Criteria: Invitae Variant Classification Sherloc (09022015). Collection method: clinical testing. Allele origin: germline.
Comment: In summary, the available evidence is currently insufficient to determine the role of this variant in disease. Therefore, it has been classified as a Variant of Uncertain Significance. An algorithm developed to predict the effect of missense changes on protein structure and function (PolyPhen-2) suggests that this variant is likely to be tolerated. This variant has not been reported in the literature in individuals affected with NRXN1-related conditions. This variant is not present in population databases (gnomAD no frequency). This sequence change replaces valine, which is neutral and non-polar, with methionine, which is neutral and non-polar, at codon 488 of the NRXN1 protein (p.Val488Met).

NM_001330078.2(NRXN1):c.1342G>A (p.Val448Met)

Gene: NRXN1 (neurexin 1; minus strand). Cytogenetic location: 2p16.3.
Variant type: single nucleotide variant.
Coding change: c.1342G>A on transcript NM_001330078.2 (MANE Select); coding-DNA position 1342, G replaced by A.
Protein change: p.Val448Met; replaces valine 448 with methionine.
Molecular consequence: missense variant.
Genome position (GRCh38, 1-based): chr2:50,553,004, C>T on the plus strand (G>A on the coding strand, the complement: NRXN1 is on the minus strand). VCF-style: chr2-50553004-C-T. GRCh37 (hg19) VCF-style: chr2-50780142-C-T.
Other names: c.1462G>A, p.Val488Met (NM_001135659.3); c.1318G>A, p.Val440Met (NM_001330077.2, NM_001330082.2, NM_001330095.2); c.1303G>A, p.Val435Met (NM_001330083.2, NM_001330084.2); c.1342G>A, p.Val448Met (NM_001330085.2, NM_001330086.2, NM_004801.6); c.1258G>A, p.Val420Met (NM_001330087.2, NM_001330096.2); c.1288G>A, p.Val430Met (NM_001330088.2); c.1339G>A, p.Val447Met (NM_001330093.2); c.1330G>A, p.Val444Met (NM_001330094.2); short protein forms V444M, V488M, V420M, V447M, V435M, V448M, V430M, V440M.
Identifiers: ClinVar variation 2752871 (VCV002752871.3), dbSNP rs2465831667, ClinGen allele CA346774408.